The following is an entry in ClinVar:

NM_000260.4(MYO7A):c.6026C>A (p.Ala2009Asp)

Gene: MYO7A (myosin VIIA; plus strand). Cytogenetic location: 11q13.5.
Variant type: single nucleotide variant.
Coding change: c.6026C>A on transcript NM_000260.4 (MANE Select); coding-DNA position 6026, C replaced by A.
Protein change: p.Ala2009Asp; replaces alanine 2009 with aspartic acid.
Molecular consequence: missense variant.
Genome position (GRCh38, 1-based): chr11:77,208,778, C>A. VCF-style: chr11-77208778-C-A. GRCh37 (hg19) VCF-style: chr11-76919823-C-A.
Other names: c.5912C>A, p.Ala1971Asp (NM_001127180.2); c.5879C>A, p.Ala1960Asp (NM_001369365.1); short protein forms A1971D, A2009D, A1960D.
Identifiers: ClinVar variation 802709 (VCV000802709.13), dbSNP rs1173853484, ClinGen allele CA381934605.

ClinVar aggregate classification (germline): Conflicting classifications of pathogenicity. Review status: criteria provided, conflicting classifications (1 of 4 stars). 5 submissions from 5 submitters: Pathogenic (1); Likely pathogenic (2); Uncertain significance (2). Last evaluated 2026-04-30.

Conditions:
Usher syndrome. Also called: Usher's syndrome; Usher Syndromes. Identifiers: Orphanet 886, MedGen CN469326, MeSH D052245, MONDO:0019501. Disease mechanism: loss of function.
Prelingual sensorineural hearing impairment. Identifiers: MedGen C4021806, HP:0000399.
Usher syndrome type 1B (USH1B). Also called: Usher syndrome type IB. Identifiers: MedGen C1848638, MONDO:0700087.
Autosomal recessive nonsyndromic hearing loss 2. Also called: DEAFNESS, AUTOSOMAL RECESSIVE 2; NEUROSENSORY NONSYNDROMIC RECESSIVE DEAFNESS 2. Identifiers: Orphanet 90636, MedGen C1838701, MONDO:0010807, OMIM 600060.

Allele frequency attached by ClinVar (database versions not stated): gnomAD 0.00001; TOPMed 0.00001.

Submissions (5):

Laboratory of Molecular, Cellular and Translation Genetics in Otolaryngology/ Lim32-hcfmusp, University of Sao Paulo School of Medicine Clinics Hospital
Classification: Uncertain significance for Prelingual sensorineural hearing impairment. Last evaluated: 2026-04-30. Review status: criteria provided, single submitter. Criteria: ClinGen HL ACMG Specifications v1. Collection method: research. Allele origin: germline. Affected: yes.
Comment: NM_000260.4.6026C>A:p.(Ala2009Asp). This variant has been classified as a variant of uncertain significance (VUS). It is rare but not absent in population databases (PM2_supporting), and in silico prediction tools suggest a deleterious effect (PP3). It is reported in ClinVar, with conflicting interpretations regarding its association with autosomal recessive hearing loss and Usher syndrome. Therefore, the available evidence is insufficient to support a definitive role in disease.

Women's Health and Genetics/Laboratory Corporation of America, LabCorp
Classification: Likely pathogenic for Usher syndrome. Last evaluated: 2025-05-16. Review status: criteria provided, single submitter. Criteria: LabCorp Variant Classification Summary - May 2015. Collection method: clinical testing. Allele origin: germline.
Comment: Variant summary: MYO7A c.6026C>A (p.Ala2009Asp) results in a non-conservative amino acid change in the encoded protein sequence. Algorithms developed to predict the effect of missense changes on protein structure and function all suggest that this variant is likely to be disruptive. The variant allele was found at a frequency of 3.2e-05 in 31400 control chromosomes. c.6026C>A has been observed in at-least two individuals affected with autosomal recessive Usher Syndrome and Retinitis pigmentosa (Mansard_2021, Cortinhal_2024). These data indicate that the variant may be associated with disease. To our knowledge, no experimental evidence demonstrating an impact on protein function has been reported. Additionally, one variant at the Ala2009 residue has been reported likely associated with diseaes (p.Ala2009Thr: Likely Pathogenic/VUS in ClinVar), suggesting that this codon might be functionally important. The following publications have been ascertained in the context of this evaluation (PMID: 38189974, 34948090). ClinVar contains an entry for this variant (Variation ID: 802709). Based on the evidence outlined above, the variant was classified as likely pathogenic.

Labcorp Genetics (formerly Invitae), Labcorp
Classification: Pathogenic. Last evaluated: 2024-12-02. Review status: criteria provided, single submitter. Criteria: Invitae Variant Classification Sherloc (09022015). Collection method: clinical testing. Allele origin: germline.
Comment: This sequence change replaces alanine, which is neutral and non-polar, with aspartic acid, which is acidic and polar, at codon 2009 of the MYO7A protein (p.Ala2009Asp). This variant is present in population databases (no rsID available, gnomAD 0.06%). This missense change has been observed in individuals with clinical features of Usher syndrome (internal data). ClinVar contains an entry for this variant (Variation ID: 802709). Invitae Evidence Modeling of protein sequence and biophysical properties (such as structural, functional, and spatial information, amino acid conservation, physicochemical variation, residue mobility, and thermodynamic stability) has been performed for this missense variant. However, the output from this modeling did not meet the statistical confidence thresholds required to predict the impact of this variant on MYO7A protein function. This variant disrupts the p.Ala2009 amino acid residue in MYO7A. Other variant(s) that disrupt this residue have been determined to be pathogenic (PMID: 26226137, 27460420, 33089500; internal data). This suggests that this residue is clinically significant, and that variants that disrupt this residue are likely to be disease-causing. For these reasons, this variant has been classified as Pathogenic.

Natera, Inc.
Classification: Likely pathogenic for Usher syndrome type 1B. Last evaluated: 2024-10-30. Review status: criteria provided, single submitter. Criteria: Natera Variant Classification Schema (03/2026). Collection method: clinical testing. Allele origin: germline.
Comment: The c.6026C>A variant in MYO7A is a missense variant predicted to cause substitution of alanine to aspartic acid at amino acid 2009. This variant is rare in the general population with a frequency below the threshold expected for the associated phenotype(s). This variant has been observed in one or more individuals affected with the associated recessive disease, as either homozygous or compound heterozygous with a second variant (PMID: 34948090). A different variant at the same position has been determined to be Pathogenic or Likely Pathogenic. Computational prediction algorithms indicate this variant is likely to affect gene or protein function. Given the available evidence, this variant is classified as Likely Pathogenic.

Mendelics
Classification: Uncertain significance for Autosomal recessive nonsyndromic hearing loss 2. Last evaluated: 2019-05-28. Review status: criteria provided, single submitter. Criteria: Mendelics Assertion Criteria 2017. Collection method: clinical testing. Allele origin: unknown.

Literature cited by the submitters: PubMed 42233699 (cited by Laboratory of Molecular, Cellular and Translation Genetics in Otolaryngology/ Lim32-hcfmusp, University of Sao Paulo School of Medicine Clinics Hospital); PubMed 34948090 (cited by Women's Health and Genetics/Laboratory Corporation of America, LabCorp and Natera, Inc.); PubMed 38189974 (cited by Women's Health and Genetics/Laboratory Corporation of America, LabCorp); PubMed 26226137 (cited by Labcorp Genetics (formerly Invitae), Labcorp); PubMed 27460420 (cited by Labcorp Genetics (formerly Invitae), Labcorp); PubMed 33089500 (cited by Labcorp Genetics (formerly Invitae), Labcorp).